The following is an entry in ClinVar:

NM_001127222.2(CACNA1A):c.1570A>G (p.Ile524Val)

Gene: CACNA1A (calcium voltage-gated channel subunit alpha1 A; minus strand). Cytogenetic location: 19p13.13.
Variant type: single nucleotide variant.
Coding change: c.1570A>G on transcript NM_001127222.2 (MANE Select); coding-DNA position 1570, A replaced by G.
Protein change: p.Ile524Val; replaces isoleucine 524 with valine.
Molecular consequence: missense variant.
Genome position (GRCh38, 1-based): chr19:13,312,767, T>C on the plus strand (A>G on the coding strand, the complement: CACNA1A is on the minus strand). VCF-style: chr19-13312767-T-C. GRCh37 (hg19) VCF-style: chr19-13423581-T-C.
Other names: c.1573A>G, p.Ile525Val (NM_000068.4, NM_001127221.2, NM_001174080.2 and 1 more transcripts); short protein forms I524V, I525V.
Identifiers: ClinVar variation 5039679 (VCV005039679.1).

ClinVar aggregate classification (germline): Uncertain significance (1 of 4 stars; one submission).

Submission:

CeGaT Center for Human Genetics Tuebingen
Classification: Uncertain significance. Last evaluated: 2026-08-01. Review status: criteria provided, single submitter. Criteria: CeGaT Center For Human Genetics Tuebingen Variant Classification Criteria Version 2. Collection method: clinical testing. Allele origin: germline. Affected: yes. Observed: 2 variant alleles.
Comment: CACNA1A: PM2